The following is an entry in ClinVar:

ClinVar aggregate classification (germline): Uncertain significance. Review status: criteria provided, multiple submitters, no conflicts (2 of 4 stars). 2 submissions from 2 submitters: Uncertain significance (2). Last evaluated 2023-10-20.

Conditions:
Inborn genetic diseases. Identifiers: MedGen C0950123, MeSH D030342.

Allele frequency attached by ClinVar (database versions not stated): gnomAD 0.00001; ExAC 0.00002; ESP Exome Variant Server 0.00008.

Submissions (2):

Labcorp Genetics (formerly Invitae), Labcorp
Classification: Uncertain significance. Last evaluated: 2023-10-20. Review status: criteria provided, single submitter. Criteria: Invitae Variant Classification Sherloc (09022015). Collection method: clinical testing. Allele origin: germline.
Comment: This sequence change replaces arginine, which is basic and polar, with tryptophan, which is neutral and slightly polar, at codon 352 of the COMP protein (p.Arg352Trp). This variant is present in population databases (rs142274526, gnomAD 0.009%). This variant has not been reported in the literature in individuals affected with COMP-related conditions. ClinVar contains an entry for this variant (Variation ID: 2238206). Advanced modeling of protein sequence and biophysical properties (such as structural, functional, and spatial information, amino acid conservation, physicochemical variation, residue mobility, and thermodynamic stability) performed at Invitae indicates that this missense variant is not expected to disrupt COMP protein function. In summary, the available evidence is currently insufficient to determine the role of this variant in disease. Therefore, it has been classified as a Variant of Uncertain Significance.

Ambry Genetics
Classification: Uncertain significance for Inborn genetic diseases. Last evaluated: 2021-07-20. Review status: criteria provided, single submitter. Criteria: Ambry Variant Classification Scheme 2023. Collection method: clinical testing. Allele origin: germline.

NM_000095.3(COMP):c.1054C>T (p.Arg352Trp)

Gene: COMP (cartilage oligomeric matrix protein; minus strand). Cytogenetic location: 19p13.11.
Variant type: single nucleotide variant.
Coding change: c.1054C>T on transcript NM_000095.3 (MANE Select); coding-DNA position 1054, C replaced by T.
Protein change: p.Arg352Trp; replaces arginine 352 with tryptophan.
Molecular consequence: missense variant.
Genome position (GRCh38, 1-based): chr19:18,787,572, G>A on the plus strand (C>T on the coding strand, the complement: COMP is on the minus strand). VCF-style: chr19-18787572-G-A. GRCh37 (hg19) VCF-style: chr19-18898381-G-A.
Other names: short protein forms R352W.
Identifiers: ClinVar variation 2238206 (VCV002238206.5), dbSNP rs142274526, ClinGen allele CA9316553.